The following is an entry in ClinVar:

NM_002471.4(MYH6):c.2176A>T (p.Ile726Phe)

Gene: MYH6 (myosin heavy chain 6; minus strand). Cytogenetic location: 14q11.2.
Variant type: single nucleotide variant.
Coding change: c.2176A>T on transcript NM_002471.4 (MANE Select); coding-DNA position 2176, A replaced by T.
Protein change: p.Ile726Phe; replaces isoleucine 726 with phenylalanine.
Molecular consequence: missense variant.
Genome position (GRCh38, 1-based): chr14:23,396,810, T>A on the plus strand (A>T on the coding strand, the complement: MYH6 is on the minus strand). VCF-style: chr14-23396810-T-A. GRCh37 (hg19) VCF-style: chr14-23866019-T-A.
Other names: short protein forms I726F.
Identifiers: ClinVar variation 1801975 (VCV001801975.1), dbSNP rs377485587, ClinGen allele CA7115552.

ClinVar aggregate classification (germline): Uncertain significance (1 of 4 stars; one submission).

Allele frequency attached by ClinVar (database versions not stated): TOPMed below 0.00001; ExAC 0.00001; gnomAD 0.00001; ESP Exome Variant Server 0.00008.
gnomAD v4.1: 1 of 1,613,844 alleles (0.000062%); highest among the groups gnomAD compares: African/African-American, 0.0013%; no homozygotes.

Submission:

GeneDx
Classification: Uncertain significance. Last evaluated: 2022-11-21. Review status: criteria provided, single submitter. Criteria: GeneDx Variant Classification Process June 2021. Collection method: clinical testing. Allele origin: germline. Affected: yes.
Comment: Not observed at significant frequency in large population cohorts (gnomAD); In silico analysis supports that this missense variant has a deleterious effect on protein structure/function; Has not been previously published as pathogenic or benign to our knowledge